The following is an entry in ClinVar:

ClinVar aggregate classification (germline): Uncertain significance (1 of 4 stars; one submission).

Conditions:
Neuronal ceroid lipofuscinosis. Also called: Neuronal Ceroid Lipofuscinoses. Identifiers: Orphanet 216, Orphanet 79263, MedGen C0027877, MONDO:0016295. Disease mechanism: loss of function.

Submission:

Labcorp Genetics (formerly Invitae), Labcorp
Classification: Uncertain significance for Neuronal ceroid lipofuscinosis. Last evaluated: 2020-10-08. Review status: criteria provided, single submitter. Criteria: Invitae Variant Classification Sherloc (09022015). Collection method: clinical testing. Allele origin: germline.
Comment: This variant results in a copy number gain of the genomic region encompassing the full coding sequence of the CTSD gene. The boundaries of this event are unknown as they extend beyond the assayed region for this gene and therefore may encompass additional genes. As the precise location of this event is unknown, it may be in tandem or it may be located elsewhere in the genome. This variant has not been reported in the literature in individuals with CTSD-related conditions. In summary, the available evidence is currently insufficient to determine the role of this variant in disease. Therefore, it has been classified as a Variant of Uncertain Significance.

NC_000011.9:g.(?_1774733)_(1785089_?)dup

Gene: CTSD (cathepsin D; minus strand). Cytogenetic location: 11p15.5.
Variant type: Duplication.
Identifiers: ClinVar variation 1010767 (VCV001010767.1).